The following is an entry in ClinVar:

ClinVar aggregate classification (germline): Benign (0 of 4 stars; one submission).

Conditions:
METTL13-related disorder. Also called: METTL13-related condition.

Allele frequency attached by ClinVar (database versions not stated): gnomAD exomes 0.00012; ExAC 0.00045; gnomAD 0.00121; ESP Exome Variant Server 0.00131; TOPMed 0.00154; 1000 Genomes Project 30x 0.00250; 1000 Genomes Project 0.00260.
gnomAD v4.1: 373 of 1,614,252 alleles (0.023%); highest among the groups gnomAD compares: African/African-American, 0.44%; 2 homozygotes.

Submission:

PreventionGenetics, part of Exact Sciences
Classification: Benign for METTL13-related condition. Last evaluated: 2019-10-22. Review status: no assertion criteria provided. Collection method: clinical testing. Allele origin: germline.
Comment: This variant is classified as benign based on ACMG/AMP sequence variant interpretation guidelines (Richards et al. 2015 PMID: 25741868, with internal and published modifications).

NM_015935.5(METTL13):c.549G>A (p.Val183=)

Gene: METTL13 (methyltransferase 13, eEF1A N-terminus and K55; plus strand). Cytogenetic location: 1q24.3.
Variant type: single nucleotide variant.
Coding change: c.549G>A on transcript NM_015935.5 (MANE Select); coding-DNA position 549, G replaced by A.
Protein change: p.Val183=; no amino-acid change (valine 183 retained).
Molecular consequence: synonymous variant. On other transcripts: intron variant (1).
Genome position (GRCh38, 1-based): chr1:171,784,135, G>A. VCF-style: chr1-171784135-G-A. GRCh37 (hg19) VCF-style: chr1-171753275-G-A.
Other names: c.291G>A, p.Val97= (NM_014955.3); c.453+96G>A (NM_001007239.2).
Identifiers: ClinVar variation 3042833 (VCV003042833.2), dbSNP rs141898298, ClinGen allele CA1244636.
Genomic context (GRCh38, chr1:171,784,135, plus strand): 5'-GGCTCACATCCTGAAGAAAGCAGTGGGCCACTTCTCCCGGGAGGGGTGGATGGTGAGGGT[G>A]CACCAAGTGGCCAACAGCCAGGACCAGGTGTTGGAAGCAGAGCCTCAGTTCTCCTTGCCT-3'
Protein context (NP_057019.3, residues 173-193): HFSREGWMVR[Val183=]HQVANSQDQV